The following is an entry in ClinVar:

NM_001287491.2(TET3):c.1504G>A (p.Ala502Thr)

Gene: TET3 (tet methylcytosine dioxygenase 3; plus strand). Cytogenetic location: 2p13.1.
Variant type: single nucleotide variant.
Coding change: c.1504G>A on transcript NM_001287491.2 (MANE Select); coding-DNA position 1504, G replaced by A.
Protein change: p.Ala502Thr; replaces alanine 502 with threonine.
Molecular consequence: missense variant.
Genome position (GRCh38, 1-based): chr2:74,047,421, G>A. VCF-style: chr2-74047421-G-A. GRCh37 (hg19) VCF-style: chr2-74274548-G-A.
Other names: c.1225G>A, p.Ala409Thr (NM_001366022.1); c.1099G>A, p.Ala367Thr (NM_144993.1); short protein forms A367T, A409T, A502T.
Identifiers: ClinVar variation 2630357 (VCV002630357.1), dbSNP rs1687693948, ClinGen allele CA347328047.
Genomic context (GRCh38, chr2:74,047,421, plus strand): 5'-GAGGCCCTGCCTACCAAGCCCAAGGTCAAGGTGGAGGCACCCTCTTCCTCCCCGGCCCCG[G>A]CCCCATCCCCTGTACTTCAGAGGGAGGCTCCCACGCCATCCTCGGAGCCCGACACCCACC-3'
Protein context (NP_001274420.1, residues 492-512): VEAPSSSPAP[Ala502Thr]PSPVLQREAP

ClinVar aggregate classification (germline): Uncertain significance (1 of 4 stars; one submission).

Conditions:
TET3-related disorder. Also called: TET3-Related Disease; TET3-related condition.

gnomAD v4.1: 2 of 1,612,682 alleles (0.00012%); highest among the groups gnomAD compares: Non-Finnish European, 0.00017%; no homozygotes.

Submission:

PreventionGenetics, part of Exact Sciences
Classification: Uncertain significance for TET3-related condition. Last evaluated: 2023-02-11. Review status: criteria provided, single submitter. Criteria: ACMG Guidelines, 2015. Collection method: clinical testing. Allele origin: germline.
Comment: The TET3 c.1504G>A variant is predicted to result in the amino acid substitution p.Ala502Thr. To our knowledge, this variant has not been reported in the literature or in a large population database, indicating this variant is rare. At this time, the clinical significance of this variant is uncertain due to the absence of conclusive functional and genetic evidence.